The following is an entry in ClinVar:

ClinVar aggregate classification (germline): Uncertain significance (1 of 4 stars; one submission).

Conditions:
Brugada syndrome. Also called: Sudden unexpected nocturnal death syndrome; Sudden Unexplained Death Syndrome; Sudden Unexplained Nocturnal Death Syndrome (SUNDS); Sudden unexplained nocturnal death syndrome. Identifiers: Orphanet 130, MedGen C1142166, MONDO:0015263.

Submission:

Labcorp Genetics (formerly Invitae), Labcorp
Classification: Uncertain significance for Brugada syndrome. Last evaluated: 2018-09-07. Review status: criteria provided, single submitter. Criteria: Invitae Variant Classification Sherloc (09022015). Collection method: clinical testing. Allele origin: germline.
Comment: The current clinical and genetic evidence is not sufficient to establish whether loss-of-function variants in SLMAP cause disease. Therefore, this variant has been classified as a Variant of Uncertain Significance. Algorithms developed to predict the effect of sequence changes on RNA splicing suggest that this variant may alter RNA splicing, but this prediction has not been confirmed by published transcriptional studies. This variant is not present in population databases (ExAC no frequency) and has not been reported in the literature in individuals with a SLMAP-related disease. This sequence change affects an acceptor splice site in intron 2 of the SLMAP gene. It is expected to disrupt RNA splicing and likely results in an absent or disrupted protein product.

NM_001377540.1(SLMAP):c.347-1G>T

Gene: SLMAP (sarcolemma associated protein; plus strand). Cytogenetic location: 3p14.3.
Variant type: single nucleotide variant.
Coding change: c.347-1G>T on transcript NM_001377540.1 (MANE Select); the canonical splice acceptor site of the intron before coding-DNA position 347, G replaced by T.
Molecular consequence: splice acceptor variant.
Genome position (GRCh38, 1-based): chr3:57,841,298, G>T. VCF-style: chr3-57841298-G-T. GRCh37 (hg19) VCF-style: chr3-57827025-G-T.
Other names: c.347-1G>T (NM_001377538.1, NM_001377539.1, NM_001377555.1 and 17 more transcripts).
Identifiers: ClinVar variation 411195 (VCV000411195.7), dbSNP rs1060503190, ClinGen allele CA16611464.
Genomic context (GRCh38, chr3:57,841,298, plus strand): 5'-GTGTGAAGTTTTATATTTTTAAACAATTATTTCATCCATATTATTTGTTTGTTTCAACCA[G>T]TTACCCATGGGTGTATTGTTTCCACAATAAAACTTTTTCTACCAGATGGTATGGAAGCCC-3'